The following is an entry in ClinVar:

NM_002474.3(MYH11):c.589G>A (p.Val197Met)

Gene: MYH11 (myosin heavy chain 11; minus strand). Cytogenetic location: 16p13.11.
Variant type: single nucleotide variant.
Coding change: c.589G>A on transcript NM_002474.3 (MANE Select); coding-DNA position 589, G replaced by A.
Protein change: p.Val197Met; replaces valine 197 with methionine.
Molecular consequence: missense variant.
Genome position (GRCh38, 1-based): chr16:15,786,674, C>T on the plus strand (G>A on the coding strand, the complement: MYH11 is on the minus strand). VCF-style: chr16-15786674-C-T. GRCh37 (hg19) VCF-style: chr16-15880531-C-T.
Other names: c.589G>A, p.Val197Met (NM_001040113.2, NM_001040114.2, NM_022844.3); short protein forms V197M.
Identifiers: ClinVar variation 864793 (VCV000864793.17), dbSNP rs1397436456, ClinGen allele CA394873678.

ClinVar aggregate classification (germline): Uncertain significance. Review status: criteria provided, multiple submitters, no conflicts (2 of 4 stars). 4 submissions from 4 submitters: Uncertain significance (4). Last evaluated 2024-04-16.

Conditions:
Familial thoracic aortic aneurysm and aortic dissection (TAAD). Also called: Thoracic aortic aneurysms and dissections. Identifiers: Orphanet 91387, MedGen C4707243, MONDO:0019625.
Aortic aneurysm, familial thoracic 4 (AAT4). Also called: AORTIC ANEURYSM/AORTIC DISSECTION AND PATENT DUCTUS ARTERIOSUS. Identifiers: MedGen C1851504, MONDO:0007568, OMIM 132900.
Visceral myopathy 2. Identifiers: MedGen C5543466, MONDO:0859157, OMIM 619350.
Megacystis-microcolon-intestinal hypoperistalsis syndrome 2. Identifiers: MedGen C5543476, MONDO:0025708, OMIM 619351.

Allele frequency attached by ClinVar (database versions not stated): TOPMed below 0.00001; gnomAD exomes 0.00001.

Submissions (4):

All of Us Research Program, National Institutes of Health
Classification: Uncertain significance for Familial thoracic aortic aneurysm and aortic dissection. Last evaluated: 2024-04-16. Review status: criteria provided, single submitter. Criteria: ACMG Guidelines, 2015. Collection method: clinical testing. Allele origin: germline. Inheritance: Autosomal dominant inheritance. Observed: 2 variant alleles, 2 heterozygotes.
Comment: This missense variant replaces valine with methionine at codon 197 of the MYH11 protein. Computational prediction suggests that this variant may not impact protein structure and function (internally defined REVEL score threshold <= 0.5, PMID: 27666373). To our knowledge, functional studies have not been reported for this variant. This variant has not been reported in individuals affected with cardiovascular disorders in the literature. This variant has not been identified in the general population by the Genome Aggregation Database (gnomAD). The available evidence is insufficient to determine the role of this variant in disease conclusively. Therefore, this variant is classified as a Variant of Uncertain Significance.

This study involves interpretation of variants in research participants for the purpose of population health screening. Participant phenotype was not available at the time of variant classification. Additional details can be found in publication PMID: 35346344, PMCID: PMC8962531

Color Diagnostics, LLC DBA Color Health
Classification: Uncertain significance for Familial thoracic aortic aneurysm and aortic dissection. Last evaluated: 2024-03-06. Review status: criteria provided, single submitter. Criteria: ACMG Guidelines, 2015. Collection method: clinical testing. Allele origin: germline.
Comment: This missense variant replaces valine with methionine at codon 197 of the MYH11 protein. Computational prediction suggests that this variant may not impact protein structure and function (internally defined REVEL score threshold <= 0.5, PMID: 27666373). To our knowledge, functional studies have not been reported for this variant. This variant has not been reported in individuals affected with MYH11-related disorders in the literature. This variant has not been identified in the general population by the Genome Aggregation Database (gnomAD). The available evidence is insufficient to determine the role of this variant in disease conclusively. Therefore, this variant is classified as a Variant of Uncertain Significance.

Labcorp Genetics (formerly Invitae), Labcorp
Classification: Uncertain significance for Aortic aneurysm, familial thoracic 4. Last evaluated: 2022-08-16. Review status: criteria provided, single submitter. Criteria: Invitae Variant Classification Sherloc (09022015). Collection method: clinical testing. Allele origin: germline.
Comment: This sequence change replaces valine, which is neutral and non-polar, with methionine, which is neutral and non-polar, at codon 197 of the MYH11 protein (p.Val197Met). This variant is not present in population databases (gnomAD no frequency). This variant has not been reported in the literature in individuals affected with MYH11-related conditions. ClinVar contains an entry for this variant (Variation ID: 864793). Algorithms developed to predict the effect of missense changes on protein structure and function output the following: SIFT: "Deleterious"; PolyPhen-2: "Benign"; Align-GVGD: "Class C0". The methionine amino acid residue is found in multiple mammalian species, which suggests that this missense change does not adversely affect protein function. In summary, the available evidence is currently insufficient to determine the role of this variant in disease. Therefore, it has been classified as a Variant of Uncertain Significance.

Fulgent Genetics
Classification: Uncertain significance for Aortic aneurysm, familial thoracic 4; Visceral myopathy 2; Megacystis-microcolon-intestinal hypoperistalsis syndrome 2. Last evaluated: 2021-09-09. Review status: criteria provided, single submitter. Criteria: ACMG Guidelines, 2015. Collection method: clinical testing. Allele origin: unknown.